The following is an entry in ClinVar:

ClinVar aggregate classification (germline): Uncertain significance (1 of 4 stars; one submission).

Conditions:
Arrhythmogenic right ventricular dysplasia 8 (ARVD8). Also called: Arrhythmogenic Right Ventricular Dysplasia/Cardiomyopathy 8; ARRHYTHMOGENIC RIGHT VENTRICULAR DYSPLASIA, FAMILIAL, 8; ARRHYTHMOGENIC RIGHT VENTRICULAR CARDIOMYOPATHY 8. Identifiers: MedGen C1843896, MONDO:0011831, OMIM 607450.
Arrhythmogenic cardiomyopathy with wooly hair and keratoderma. Also called: PALMOPLANTAR KERATODERMA WITH LEFT VENTRICULAR CARDIOMYOPATHY AND WOOLLY HAIR; Carvajal syndrome; Dilated cardiomyopathy with woolly hair and keratoderma; Arrhythmogenic cardiomyopathy with woolly hair and keratoderma. Identifiers: Orphanet 65282, MedGen C1854063, MONDO:0011581, OMIM 605676.

Submission:

Labcorp Genetics (formerly Invitae), Labcorp
Classification: Uncertain significance for Arrhythmogenic cardiomyopathy with wooly hair and keratoderma; Arrhythmogenic right ventricular dysplasia 8. Last evaluated: 2023-03-19. Review status: criteria provided, single submitter. Criteria: Invitae Variant Classification Sherloc (09022015). Collection method: clinical testing. Allele origin: germline.
Comment: This variant has not been reported in the literature in individuals affected with DSP-related conditions. This variant is not present in population databases (gnomAD no frequency). This sequence change replaces glycine, which is neutral and non-polar, with alanine, which is neutral and non-polar, at codon 394 of the DSP protein (p.Gly394Ala). An algorithm developed to predict the effect of missense changes on protein structure and function (PolyPhen-2) suggests that this variant is likely to be tolerated. In summary, the available evidence is currently insufficient to determine the role of this variant in disease. Therefore, it has been classified as a Variant of Uncertain Significance.

NM_004415.4(DSP):c.1181G>C (p.Gly394Ala)

Gene: DSP (desmoplakin; plus strand). Cytogenetic location: 6p24.3.
Variant type: single nucleotide variant.
Coding change: c.1181G>C on transcript NM_004415.4 (MANE Select); coding-DNA position 1181, G replaced by C.
Protein change: p.Gly394Ala; replaces glycine 394 with alanine.
Molecular consequence: missense variant.
Genome position (GRCh38, 1-based): chr6:7,567,821, G>C. VCF-style: chr6-7567821-G-C. GRCh37 (hg19) VCF-style: chr6-7568054-G-C.
Other names: c.1181G>C, p.Gly394Ala (NM_001008844.3, NM_001319034.2, NM_001406591.1); short protein forms G394A.
Identifiers: ClinVar variation 2937294 (VCV002937294.3), dbSNP rs2533881630, ClinGen allele CA362676068.
Genomic context (GRCh38, chr6:7,567,821, plus strand): 5'-ATCACTCTCATCCTTCACAGTTTTTTGAAGAGGCGCAGTCTACTGAAGCATACCTGAAGG[G>C]GCTCCAGGACTCCATCAGGAAGAAGTACCCCTGCGACAAGAACATGCCCCTGCAGCACCT-3'
Protein context (NP_004406.2, residues 384-404): EAQSTEAYLK[Gly394Ala]LQDSIRKKYP